The following is an entry in ClinVar:

NM_004960.4(FUS):c.691G>A (p.Gly231Ser)

Gene: FUS (FUS RNA binding protein; plus strand). Cytogenetic location: 16p11.2.
Variant type: single nucleotide variant.
Coding change: c.691G>A on transcript NM_004960.4 (MANE Select); coding-DNA position 691, G replaced by A.
Protein change: p.Gly231Ser; replaces glycine 231 with serine.
Molecular consequence: missense variant. On other transcripts: non-coding transcript variant (1).
Genome position (GRCh38, 1-based): chr16:31,185,106, G>A. VCF-style: chr16-31185106-G-A. GRCh37 (hg19) VCF-style: chr16-31196427-G-A.
Other names: c.688G>A, p.Gly230Ser (NM_001170634.1); c.679G>A, p.Gly227Ser (NM_001170937.1); short protein forms G231S, G227S, G230S.
Identifiers: ClinVar variation 1377485 (VCV001377485.6), dbSNP rs2144114616, ClinGen allele CA395670252.

ClinVar aggregate classification (germline): Uncertain significance (1 of 4 stars; one submission).

Conditions:
Amyotrophic lateral sclerosis type 6. Also called: Amyotrophic lateral sclerosis 6, with or without frontotemporal dementia; FUS-Related Amyotrophic Laterial Sclerosis; AMYOTROPHIC LATERAL SCLEROSIS 6 WITHOUT FRONTOTEMPORAL DEMENTIA. Identifiers: Orphanet 275872, Orphanet 803, MedGen C2931786, MONDO:0011951, OMIM 608030.
Tremor, hereditary essential, 4 (ETM4). Identifiers: MedGen C3539195, MONDO:0013888, OMIM 614782.

gnomAD v4.1: 2 of 1,608,466 alleles (0.00012%); highest among the groups gnomAD compares: Non-Finnish European, 0.00017%; no homozygotes.

Submission:

Labcorp Genetics (formerly Invitae), Labcorp
Classification: Uncertain significance for Tremor, hereditary essential, 4; Amyotrophic lateral sclerosis type 6. Last evaluated: 2021-08-24. Review status: criteria provided, single submitter. Criteria: Invitae Variant Classification Sherloc (09022015). Collection method: clinical testing. Allele origin: germline.
Comment: In summary, the available evidence is currently insufficient to determine the role of this variant in disease. Therefore, it has been classified as a Variant of Uncertain Significance. Algorithms developed to predict the effect of missense changes on protein structure and function are either unavailable or do not agree on the potential impact of this missense change (SIFT: "Tolerated"; PolyPhen-2: "Not Available"; Align-GVGD: "Class C0"). This variant has not been reported in the literature in individuals affected with FUS-related conditions. This variant is not present in population databases (ExAC no frequency). This sequence change replaces glycine with serine at codon 231 of the FUS protein (p.Gly231Ser). The glycine residue is highly conserved and there is a small physicochemical difference between glycine and serine.